The following is an entry in ClinVar:

ClinVar aggregate classification (germline): Uncertain significance. Review status: criteria provided, multiple submitters, no conflicts (2 of 4 stars). 2 submissions from 2 submitters: Uncertain significance (2). Last evaluated 2025-05-15.

Conditions:
Frasier syndrome. Identifiers: Orphanet 347, MedGen C0950122, MeSH D052159, MONDO:0007635, OMIM 136680.
Drash syndrome (DDS). Also called: WILMS TUMOR AND PSEUDO- OR TRUE HERMAPHRODITISM; NEPHROPATHY, WILMS TUMOR, AND GENITAL ANOMALIES. Identifiers: Orphanet 220, MedGen C0950121, MONDO:0008682, OMIM 194080.
Wilms tumor 1 (WT1). Also called: Wilms tumor, somatic. Identifiers: Orphanet 654, MedGen CN033288, MONDO:0008679, OMIM 194070.
11p partial monosomy syndrome (WAGR). Also called: WAGR syndrome; CHROMOSOME 11p13 DELETION SYNDROME; WAGR Complex; WAGR Spectrum Disorder. Identifiers: Orphanet 893, MedGen C0206115, MONDO:0008681, OMIM 194072.
Inborn genetic diseases. Identifiers: MedGen C0950123, MeSH D030342.

Allele frequency attached by ClinVar (database versions not stated): gnomAD exomes below 0.00001.
gnomAD v4.1: 1 of 1,614,220 alleles (0.000062%); highest among the groups gnomAD compares: Non-Finnish European, 0.000085%; no homozygotes.

Submissions (2):

Ambry Genetics
Classification: Uncertain significance for Inborn genetic diseases. Last evaluated: 2025-05-15. Review status: criteria provided, single submitter. Criteria: Ambry Variant Classification Scheme 2023. Collection method: clinical testing. Allele origin: germline.
Comment: The p.M510I variant (also known as c.1530G>A), located in coding exon 10 of the WT1 gene, results from a G to A substitution at nucleotide position 1530. The methionine at codon 510 is replaced by isoleucine, an amino acid with highly similar properties. This amino acid position is conserved. In addition, this alteration is predicted to be tolerated by in silico analysis. Based on the available evidence, the clinical significance of this variant remains unclear.

Labcorp Genetics (formerly Invitae), Labcorp
Classification: Uncertain significance for Wilms tumor 1; Drash syndrome; 11p partial monosomy syndrome; Frasier syndrome. Last evaluated: 2021-09-02. Review status: criteria provided, single submitter. Criteria: Invitae Variant Classification Sherloc (09022015). Collection method: clinical testing. Allele origin: germline.
Comment: This sequence change replaces methionine with isoleucine at codon 510 of the WT1 protein (p.Met510Ile). The methionine residue is highly conserved and there is a small physicochemical difference between methionine and isoleucine. This variant is not present in population databases (ExAC no frequency). This variant has not been reported in the literature in individuals affected with WT1-related conditions. Algorithms developed to predict the effect of missense changes on protein structure and function output the following: SIFT: "Deleterious"; PolyPhen-2: "Benign"; Align-GVGD: "Class C0". The isoleucine amino acid residue is found in multiple mammalian species, which suggests that this missense change does not adversely affect protein function. In summary, the available evidence is currently insufficient to determine the role of this variant in disease. Therefore, it has been classified as a Variant of Uncertain Significance.

NM_024426.6(WT1):c.1545G>A (p.Met515Ile)

Gene: WT1 (WT1 transcription factor; minus strand). Cytogenetic location: 11p13.
Variant type: single nucleotide variant.
Coding change: c.1545G>A on transcript NM_024426.6 (MANE Select); coding-DNA position 1545, G replaced by A.
Protein change: p.Met515Ile; replaces methionine 515 with isoleucine.
Molecular consequence: missense variant. On other transcripts: non-coding transcript variant (1).
Genome position (GRCh38, 1-based): chr11:32,389,082, C>T on the plus strand (G>A on the coding strand, the complement: WT1 is on the minus strand). VCF-style: chr11-32389082-C-T. GRCh37 (hg19) VCF-style: chr11-32410628-C-T.
Other names: c.1485G>A, p.Met495Ile (NM_000378.6); c.885G>A, p.Met295Ile (NM_001198551.2); c.843G>A, p.Met281Ile (NM_001198552.2); c.357G>A, p.Met119Ile (NM_001367854.1); c.1530G>A, p.Met510Ile (NM_001407044.1); c.1494G>A, p.Met498Ile (NM_001407045.1); c.1452G>A, p.Met484Ile (NM_001407046.1); c.1413G>A, p.Met471Ile (NM_001407047.1); and 7 more; short protein forms M281I, M515I, M295I, M495I, M512I, M119I, M498I, M493I.
Identifiers: ClinVar variation 1487769 (VCV001487769.7), dbSNP rs2132897547, ClinGen allele CA379957484.
Genomic context (GRCh38, chr11:32,389,082, plus strand): 5'-TGCCTGGGACACTGAACGGTCCCCGAGGGAGACCCCTCAAAGCGCCAGCTGGAGTTTGGT[C>T]ATGTTTCTCTGATGCATGTTGTGATGGCGGACTAATTCATCTGACCGGGCAAACTTTTTC-3'
Protein context (NP_077744.4, residues 505-522): VRHHNMHQRN[Met515Ile]TKLQLAL